The following is an entry in ClinVar:

ClinVar aggregate classification (germline): Uncertain significance (1 of 4 stars; one submission).

Conditions:
VPS8-related disorder. Also called: VPS8-related condition.

Submission:

PreventionGenetics, part of Exact Sciences
Classification: Uncertain significance for VPS8-related condition. Last evaluated: 2024-11-13. Review status: criteria provided, single submitter. Criteria: ACMG Guidelines, 2015. Collection method: clinical testing. Allele origin: germline.
Comment: The VPS8 c.2474A>C variant is predicted to result in the amino acid substitution p.Asp825Ala. To our knowledge, this variant has not been reported in the literature or in a large population database (gnomAD), indicating this variant is rare. At this time, the clinical significance of this variant is uncertain due to the absence of conclusive functional and genetic evidence.

NM_001009921.3(VPS8):c.2474A>C (p.Asp825Ala)

Gene: VPS8 (VPS8 subunit of CORVET complex; plus strand). Cytogenetic location: 3q27.2.
Variant type: single nucleotide variant.
Coding change: c.2474A>C on transcript NM_001009921.3 (MANE Select); coding-DNA position 2474, A replaced by C.
Protein change: p.Asp825Ala; replaces aspartic acid 825 with alanine.
Molecular consequence: missense variant. On other transcripts: non-coding transcript variant (1).
Genome position (GRCh38, 1-based): chr3:184,924,881, A>C. VCF-style: chr3-184924881-A-C. GRCh37 (hg19) VCF-style: chr3-184642669-A-C.
Other names: c.2474A>C, p.Asp825Ala (NM_001349292.2, NM_001349293.2, NM_001349294.2 and 1 more transcripts); c.2435A>C, p.Asp812Ala (NM_001349296.2); c.755A>C, p.Asp252Ala (NM_001349297.2); c.674A>C, p.Asp225Ala (NM_001349298.2); c.2468A>C, p.Asp823Ala (NM_015303.4); short protein forms D825A, D812A, D225A, D823A, D252A.
Identifiers: ClinVar variation 4998561 (VCV004998561.1).